The following is an entry in ClinVar:

ClinVar aggregate classification (germline): Uncertain significance (1 of 4 stars; one submission).

Allele frequency attached by ClinVar (database versions not stated): gnomAD exomes below 0.00001; TOPMed below 0.00001; gnomAD 0.00001; ESP Exome Variant Server 0.00008.
gnomAD v4.1: 6 of 1,611,854 alleles (0.00037%); highest among the groups gnomAD compares: Non-Finnish European, 0.00051%; no homozygotes.

Submission:

Labcorp Genetics (formerly Invitae), Labcorp
Classification: Uncertain significance. Last evaluated: 2022-06-15. Review status: criteria provided, single submitter. Criteria: Invitae Variant Classification Sherloc (09022015). Collection method: clinical testing. Allele origin: germline.
Comment: This sequence change replaces glutamine, which is neutral and polar, with histidine, which is basic and polar, at codon 927 of the DHX37 protein (p.Gln927His). This variant is present in population databases (rs372801369, gnomAD 0.003%). This variant has not been reported in the literature in individuals affected with DHX37-related conditions. Algorithms developed to predict the effect of missense changes on protein structure and function are either unavailable or do not agree on the potential impact of this missense change (SIFT: "Deleterious"; PolyPhen-2: "Probably Damaging"; Align-GVGD: "Class C15"). In summary, the available evidence is currently insufficient to determine the role of this variant in disease. Therefore, it has been classified as a Variant of Uncertain Significance.

NM_032656.4(DHX37):c.2781G>C (p.Gln927His)

Gene: DHX37 (DEAH-box helicase 37; minus strand). Cytogenetic location: 12q24.31.
Variant type: single nucleotide variant.
Coding change: c.2781G>C on transcript NM_032656.4 (MANE Select); coding-DNA position 2781, G replaced by C.
Protein change: p.Gln927His; replaces glutamine 927 with histidine.
Molecular consequence: missense variant.
Genome position (GRCh38, 1-based): chr12:124,952,485, C>G on the plus strand (G>C on the coding strand, the complement: DHX37 is on the minus strand). VCF-style: chr12-124952485-C-G. GRCh37 (hg19) VCF-style: chr12-125437031-C-G.
Other names: short protein forms Q927H.
Identifiers: ClinVar variation 2010140 (VCV002010140.1), dbSNP rs372801369, ClinGen allele CA245250435.
Genomic context (GRCh38, chr12:124,952,485, plus strand): 5'-CAGCATCTCCTCGCTCTGGACCCTGCGGGCCAAGTGGTCCCCCAGGCCTGCCGTCACGAT[C>G]TGTCGCAGGTAGGTCACCTGGCTCTCGGTGGGCGGCTGCATCTTGGGATCCACGAAGAGC-3'
Protein context (NP_116045.2, residues 917-937): PTESQVTYLR[Gln927His]IVTAGLGDHL